The following is an entry in ClinVar:

ClinVar aggregate classification (germline): Conflicting classifications of pathogenicity. Review status: criteria provided, conflicting classifications (1 of 4 stars). 9 submissions from 9 submitters: Uncertain significance (8); Likely benign (1). Last evaluated 2026-01-05.

Conditions:
MYLK-related disorder. Also called: MYLK-related condition.
Aortic aneurysm, familial thoracic 7 (AAT7). Also called: AORTIC DISSECTION, FAMILIAL, WITH OR WITHOUT AORTIC ANEURYSM. Identifiers: MedGen C3151077, MONDO:0013418, OMIM 613780.
Familial thoracic aortic aneurysm and aortic dissection (TAAD). Also called: Thoracic aortic aneurysms and dissections. Identifiers: Orphanet 91387, MedGen C4707243, MONDO:0019625.

Allele frequency attached by ClinVar (database versions not stated): ExAC 0.00004; gnomAD exomes 0.00004 and 0.00005; TOPMed 0.00004; gnomAD 0.00006.
gnomAD v4.1: 69 of 1,565,988 alleles (0.0044%); highest among the groups gnomAD compares: Middle Eastern, 0.033%; no homozygotes.

Submissions (9):

Labcorp Genetics (formerly Invitae), Labcorp
Classification: Uncertain significance for Aortic aneurysm, familial thoracic 7. Last evaluated: 2026-01-05. Review status: criteria provided, single submitter. Criteria: Invitae Variant Classification Sherloc (09022015). Collection method: clinical testing. Allele origin: germline.
Comment: This sequence change replaces valine, which is neutral and non-polar, with isoleucine, which is neutral and non-polar, at codon 600 of the MYLK protein (p.Val600Ile). This variant is present in population databases (rs766027720, gnomAD 0.03%). This missense change has been observed in individual(s) with thoracic aortic aneurysm and dissection (PMID: 34498425). This variant is also known as p.Val531Ile.. ClinVar contains an entry for this variant (Variation ID: 900846). Invitae Evidence Modeling of protein sequence and biophysical properties (such as structural, functional, and spatial information, amino acid conservation, physicochemical variation, residue mobility, and thermodynamic stability) indicates that this missense variant is not expected to disrupt MYLK protein function with a negative predictive value of 80%. In summary, the available evidence is currently insufficient to determine the role of this variant in disease. Therefore, it has been classified as a Variant of Uncertain Significance.

PreventionGenetics, part of Exact Sciences
Classification: Uncertain significance for MYLK-related condition. Last evaluated: 2025-08-09. Review status: criteria provided, single submitter. Criteria: ACMG Guidelines, 2015. Collection method: clinical testing. Allele origin: germline.
Comment: The MYLK c.1798G>A variant is predicted to result in the amino acid substitution p.Val600Ile. This variant has been observed, along with a missense FBN1 variant, in an individual from a cohort of patients with thoracic aortic aneurysm and dissection, both reported as variants of uncertain significance (reported as c.1591G>A/p.Val531Ile using alternative transcript NM_053026 in Table S1, Li et al. 2021. PubMed ID: 34498425). This variant is reported in 0.021% of alleles in individuals of East Asian descent in gnomAD. At this time, the clinical significance of this variant is uncertain due to the absence of conclusive functional and genetic evidence.

Women's Health and Genetics/Laboratory Corporation of America, LabCorp
Classification: Uncertain significance. Last evaluated: 2024-11-26. Review status: criteria provided, single submitter. Criteria: LabCorp Variant Classification Summary - May 2015. Collection method: clinical testing. Allele origin: germline.
Comment: Variant summary: MYLK c.1798G>A (p.Val600Ile) results in a conservative amino acid change located in the Immunoglobulin I-set domain (IPR013098) of the encoded protein sequence. Five of five in-silico tools predict a benign effect of the variant on protein function. The variant allele was found at a frequency of 5.1e-05 in 174946 control chromosomes. The available data on variant occurrences in the general population are insufficient to allow any conclusion about variant significance. c.1798G>A has been reported in the literature in an individual affected with Thoracic Aortic Aneurysm And Dissection (Li_2021). This report does not provide unequivocal conclusions about association of the variant with Thoracic Aortic Aneurysms And Dissections. To our knowledge, no experimental evidence demonstrating an impact on protein function has been reported. The following publication has been ascertained in the context of this evaluation (PMID: 34498425). ClinVar contains an entry for this variant (Variation ID: 900846). Based on the evidence outlined above, the variant was classified as uncertain significance.

Clinical Genomics Laboratory, Washington University in St. Louis
Classification: Uncertain significance for Aortic aneurysm, familial thoracic 7. Last evaluated: 2024-10-17. Review status: criteria provided, single submitter. Criteria: ACMG Guidelines, 2015. Collection method: clinical testing. Allele origin: germline.
Comment: The MYLK c.1798G>A (p.Val600Ile) variant has been reported in an individual with thoracic aortic aneurysm and dissection (Li J et al., PMID: 34498425). The highest population minor allele frequency in the population database genome aggregation database (v.2.1.1) is 0.02% in the East Asian population. This variant was reported in the ClinVar database as a variant of uncertain significance by six submitters and one submitter classified this variant as likely benign (ClinVar ID: 900846). Computational predictors are uncertain as to the impact of this variant on MYLK function. Due to limited information and based on ACMG/AMP guidelines for variant interpretation (Richards S et al., PMID: 25741868), the clinical significance of this variant is uncertain at this time.

GeneDx
Classification: Uncertain significance. Last evaluated: 2024-04-03. Review status: criteria provided, single submitter. Criteria: GeneDx Variant Classification Process June 2021. Collection method: clinical testing. Allele origin: germline. Affected: yes.
Comment: Identified in a patient with TAAD who also harbored a variant in the FBN1 gene (PMID: 34498425); In silico analysis supports that this missense variant does not alter protein structure/function; This variant is associated with the following publications: (PMID: 34498425)

CeGaT Center for Human Genetics Tuebingen
Classification: Uncertain significance. Last evaluated: 2024-02-01. Review status: criteria provided, single submitter. Criteria: CeGaT Center For Human Genetics Tuebingen Variant Classification Criteria Version 2. Collection method: clinical testing. Allele origin: germline. Affected: yes. Observed: 1 variant allele.
Comment: MYLK: PM2

Ambry Genetics
Classification: Likely benign for Familial thoracic aortic aneurysm and aortic dissection. Last evaluated: 2023-12-07. Review status: criteria provided, single submitter. Criteria: Ambry Variant Classification Scheme 2023. Collection method: clinical testing. Allele origin: germline.

Illumina Laboratory Services, Illumina
Classification: Uncertain significance for Aortic aneurysm, familial thoracic 7. Last evaluated: 2018-01-12. Review status: criteria provided, single submitter. Criteria: ICSL Variant Classification Criteria 13 December 2019. Collection method: clinical testing. Allele origin: germline.

Breakthrough Genomics
Classification: Uncertain significance. Review status: criteria provided, single submitter. Criteria: ACMG Guidelines, 2015. Collection method: not provided. Allele origin: germline. Inheritance: Autosomal recessive inheritance. Affected: yes.

Literature cited by the submitters: PubMed 34498425 (cited by 3 submitters); PubMed 36973604 (cited by Ambry Genetics).

NM_053025.4(MYLK):c.1798G>A (p.Val600Ile)

Gene: MYLK (myosin light chain kinase; minus strand). Cytogenetic location: 3q21.1.
Variant type: single nucleotide variant.
Coding change: c.1798G>A on transcript NM_053025.4 (MANE Select); coding-DNA position 1798, G replaced by A.
Protein change: p.Val600Ile; replaces valine 600 with isoleucine.
Molecular consequence: missense variant.
Genome position (GRCh38, 1-based): chr3:123,722,134, C>T on the plus strand (G>A on the coding strand, the complement: MYLK is on the minus strand). VCF-style: chr3-123722134-C-T. GRCh37 (hg19) VCF-style: chr3-123440981-C-T.
Other names: c.1270G>A, p.Val424Ile (NM_001321309.2); c.1591G>A, p.Val531Ile (NM_053026.4, NM_053028.4); c.1798G>A, p.Val600Ile (NM_053027.4); short protein forms V531I, V424I, V600I.
Identifiers: ClinVar variation 900846 (VCV000900846.39), dbSNP rs766027720, ClinGen allele CA067507.
Genomic context (GRCh38, chr3:123,722,134, plus strand): 5'-AGCAGAAGTGCCTGCAGGAAAGGTGCTTCTACCCAGGTGCCCAGAGGCTCCTACCATGGA[C>T]GGTGACCCAGGCGCTGCAGGACACCTGCCCCAAGGCATTCTCAGCTAGGCAGGTGTAGGT-3'
Protein context (NP_444253.3, residues 590-610): GQVSCSAWVT[Val600Ile]HEKKSSRKSE